The following is an entry in ClinVar:

ClinVar aggregate classification (germline): Uncertain significance (1 of 4 stars; one submission).

Submission:

Mayo Clinic Laboratories, Mayo Clinic
Classification: Uncertain significance. Last evaluated: 2025-04-18. Review status: criteria provided, single submitter. Criteria: ACMG Guidelines, 2015. Collection method: clinical testing. Allele origin: germline. Observed: 1 variant allele.
Comment: BP4_strong, PM2_supporting

NM_001102416.3(KNG1):c.1283G>C (p.Arg428Thr)

Gene: KNG1 (kininogen 1; plus strand). Cytogenetic location: 3q27.3.
Variant type: single nucleotide variant.
Coding change: c.1283G>C on transcript NM_001102416.3 (MANE Select); coding-DNA position 1283, G replaced by C.
Protein change: p.Arg428Thr; replaces arginine 428 with threonine.
Molecular consequence: missense variant. On other transcripts: intron variant (2).
Genome position (GRCh38, 1-based): chr3:186,741,679, G>C. VCF-style: chr3-186741679-G-C. GRCh37 (hg19) VCF-style: chr3-186459468-G-C.
Other names: p.Arg428Thr; c.1203+80G>C (NM_000893.4); c.1095+80G>C (NM_001166451.2); short protein forms R428T.
Identifiers: ClinVar variation 4540960 (VCV004540960.1).